The following is an entry in ClinVar:

ClinVar aggregate classification (germline): Uncertain significance. Review status: reviewed by expert panel (3 of 4 stars). 2 submissions from 2 submitters: Uncertain significance (1). 1 of the submissions does not count toward it. Last evaluated 2023-09-07.

Conditions:
Glanzmann thrombasthenia. Also called: BLEEDING DISORDER, PLATELET-TYPE, 2; THROMBASTHENIA OF GLANZMANN AND NAEGELI; PLATELET GLYCOPROTEIN IIb-IIIa DEFICIENCY; Thrombasthenia; Glanzmann's thrombasthenia. Identifiers: Orphanet 849, MedGen C0040015, MONDO:0100326.

Allele frequency attached by ClinVar (database versions not stated): TOPMed 0.00003.
gnomAD v4.1: 1 of 1,614,030 alleles (0.000062%); no homozygotes.

Submissions (2):

ClinGen Platelet Disorders Variant Curation Expert Panel, ClinGen
Classification: Uncertain significance for Glanzmann thrombasthenia. Last evaluated: 2023-09-07. Review status: reviewed by expert panel. Criteria: ClinGen Platelet ACMG Specifications v2-1. Collection method: curation. Allele origin: germline. Inheritance: Autosomal recessive inheritance.
Comment: The c.964C>T variant in ITGA2B is a missense variant predicted to cause substitution of Histidine by Tyrosine at amino acid 322 (p.His322Tyr). This variant is absent from gnomAD v2.1.1 (PM2_Supporting). This variant was observed as part of a predisposition screen in an ostensibly healthy population by Illumina. In summary, this variant meets the criteria to be classified as Uncertain significance - insufficient evidence for autosomal recessive Glanzmann Thrombasthenia based on the ACMG/AMP criteria applied, as specified by the ClinGen PD VCEP: PM2_Supporting (VCEP specifications version 2).

Illumina Laboratory Services, Illumina
Classification: Uncertain significance for Glanzmann thrombasthenia 1. Last evaluated: 2017-04-27. Review status: criteria provided, single submitter. Criteria: ICSL Variant Classification Criteria 13 December 2019. Collection method: clinical testing. Allele origin: germline. Not counted in ClinVar's aggregate classification.

NM_000419.5(ITGA2B):c.964C>T (p.His322Tyr)

Gene: ITGA2B (integrin subunit alpha 2b; minus strand). Cytogenetic location: 17q21.31.
Variant type: single nucleotide variant.
Coding change: c.964C>T on transcript NM_000419.5 (MANE Select); coding-DNA position 964, C replaced by T.
Protein change: p.His322Tyr; replaces histidine 322 with tyrosine.
Molecular consequence: missense variant.
Genome position (GRCh38, 1-based): chr17:44,383,928, G>A on the plus strand (C>T on the coding strand, the complement: ITGA2B is on the minus strand). VCF-style: chr17-44383928-G-A. GRCh37 (hg19) VCF-style: chr17-42461296-G-A.
Other names: NM_000419.5(ITGA2B):c.964C>T; p.His322Tyr; short protein forms H322Y.
Identifiers: ClinVar variation 890600 (VCV000890600.4), dbSNP rs1376804511, ClinGen allele CA399804764.
Genomic context (GRCh38, chr17:44,383,928, plus strand): 5'-TAGGGGTGGGGCATGTCCCTCCTCACCCATCCCCGTTGACGTCAGTGACAGCCACTGAAT[G>A]CCCAAAATACGACGCCATCTGCAAGATGAGGAGCACCATCATTCACGCCGCTGGACAAGC-3'
Protein context (NP_000410.2, residues 312-332): RGEQMASYFG[His322Tyr]SVAVTDVNGD